The following is an entry in ClinVar:

NM_000368.5(TSC1):c.1589G>C (p.Ser530Thr)

Gene: TSC1 (TSC complex subunit 1; minus strand). Cytogenetic location: 9q34.13.
Variant type: single nucleotide variant.
Coding change: c.1589G>C on transcript NM_000368.5 (MANE Select); coding-DNA position 1589, G replaced by C.
Protein change: p.Ser530Thr; replaces serine 530 with threonine.
Molecular consequence: missense variant.
Genome position (GRCh38, 1-based): chr9:132,905,989, C>G on the plus strand (G>C on the coding strand, the complement: TSC1 is on the minus strand). VCF-style: chr9-132905989-C-G. GRCh37 (hg19) VCF-style: chr9-135781376-C-G.
Other names: c.1586G>C, p.Ser529Thr (NM_001162426.2); c.1436G>C, p.Ser479Thr (NM_001162427.2); c.1226G>C, p.Ser409Thr (NM_001362177.2); short protein forms S530T, S479T, S409T, S529T.
Identifiers: ClinVar variation 377283 (VCV000377283.30), dbSNP rs368481360, ClinGen allele CA029137.

ClinVar aggregate classification (germline): Conflicting classifications of pathogenicity. Review status: criteria provided, conflicting classifications (1 of 4 stars). 12 submissions from 11 submitters: Uncertain significance (5); Benign (2); Likely benign (3). 2 of the submissions do not count toward it. Last evaluated 2026-01-18.

Conditions:
Isolated focal cortical dysplasia type II (FCORD2). Also called: CORTICAL DYSPLASIA OF TAYLOR; Focal cortical dysplasia type II. Identifiers: Orphanet 268994, MedGen C1846385, MONDO:0011818, OMIM 607341, HP:0032051.
Hereditary cancer-predisposing syndrome. Also called: Tumor predisposition; Neoplastic Syndromes, Hereditary; Hereditary neoplastic syndrome; Hereditary Cancer Syndrome. Identifiers: Orphanet 140162, MedGen C0027672, MeSH D009386, MONDO:0015356.
Malignant tumor of breast. Also called: Malignant breast neoplasm; Cancer breast. Identifiers: MedGen C0006142, MONDO:0007254. Disease mechanism: loss of function.
TSC1-related disorder. Also called: TSC1-related condition.
Tuberous sclerosis syndrome (TSC). Also called: Tuberous sclerosis; Tuberous Sclerosis Complex. Identifiers: Orphanet 805, MedGen C0041341, MONDO:0001734.
Tuberous sclerosis 1 (TSC1). Identifiers: Orphanet 805, MedGen C1854465, MONDO:0008612, OMIM 191100.

Allele frequency attached by ClinVar (database versions not stated): ExAC 0.00001; gnomAD 0.00001; TOPMed 0.00001; gnomAD exomes 0.00002 and 0.00003; ESP Exome Variant Server 0.00015.
gnomAD v4.1: 44 of 1,613,972 alleles (0.0027%); highest among the groups gnomAD compares: Middle Eastern, 0.016%; no homozygotes.

Submissions (12):

Labcorp Genetics (formerly Invitae), Labcorp
Classification: Benign for Tuberous sclerosis 1. Last evaluated: 2026-01-18. Review status: criteria provided, single submitter. Criteria: Invitae Variant Classification Sherloc (09022015). Collection method: clinical testing. Allele origin: germline.

Color Diagnostics, LLC DBA Color Health
Classification: Uncertain significance for Tuberous sclerosis syndrome. Last evaluated: 2023-11-01. Review status: criteria provided, single submitter. Criteria: ACMG Guidelines, 2015. Collection method: clinical testing. Allele origin: germline.
Comment: This missense variant replaces serine with threonine at codon 530 of the TSC1 protein. Computational prediction suggests that this variant may not impact protein structure and function. To our knowledge, functional studies have not been reported for this variant. This variant has not been reported in individuals affected with TSC1-related disorders in the literature. This variant has been identified in 4/251350 chromosomes in the general population by the Genome Aggregation Database (gnomAD). The available evidence is insufficient to determine the role of this variant in disease conclusively. Therefore, this variant is classified as a Variant of Uncertain Significance.

Blueprint Genetics
Classification: Likely benign. Last evaluated: 2022-10-04. Review status: criteria provided, single submitter. Criteria: ACMG Guidelines, 2015. Collection method: clinical testing. Allele origin: germline.

Genome-Nilou Lab
Classification: Benign for Tuberous sclerosis 1. Last evaluated: 2021-11-07. Review status: criteria provided, single submitter. Criteria: ACMG Guidelines, 2015. Collection method: clinical testing. Allele origin: germline. Affected: no.

Quest Diagnostics Nichols Institute San Juan Capistrano
Classification: Uncertain significance. Last evaluated: 2021-08-20. Review status: criteria provided, single submitter. Criteria: Quest Diagnostics criteria. Collection method: clinical testing. Allele origin: unknown.

GeneDx
Classification: Likely benign. Last evaluated: 2017-06-06. Review status: criteria provided, single submitter. Criteria: GeneDx Variant Classification (06012015). Collection method: clinical testing. Allele origin: germline. Affected: yes.
Comment: This variant is considered likely benign or benign based on one or more of the following criteria: it is a conservative change, it occurs at a poorly conserved position in the protein, it is predicted to be benign by multiple in silico algorithms, and/or has population frequency not consistent with disease.

Illumina Laboratory Services, Illumina
Classification: Uncertain significance for Tuberous sclerosis 1. Last evaluated: 2017-04-27. Review status: criteria provided, single submitter. Criteria: ICSL Variant Classification Criteria 13 December 2019. Collection method: clinical testing. Allele origin: germline.

Illumina Laboratory Services, Illumina
Classification: Uncertain significance for Isolated focal cortical dysplasia type II. Last evaluated: 2017-04-27. Review status: criteria provided, single submitter. Criteria: ICSL Variant Classification Criteria 13 December 2019. Collection method: clinical testing. Allele origin: germline.

Center for Pediatric Genomic Medicine, Children's Mercy Hospital and Clinics
Classification: Uncertain significance. Last evaluated: 2017-02-09. Review status: criteria provided, single submitter. Criteria: ACMG Guidelines, 2015. Collection method: clinical testing. Allele origin: germline.
ClinVar note: Converted during submission from Uncertain Significance to Uncertain significance.

Ambry Genetics
Classification: Likely benign for Hereditary cancer-predisposing syndrome. Last evaluated: 2016-01-04. Review status: criteria provided, single submitter. Criteria: Ambry Variant Classification Scheme 2023. Collection method: clinical testing. Allele origin: germline.

PreventionGenetics, part of Exact Sciences
Classification: Likely benign for TSC1-related condition. Last evaluated: 2023-04-24. Review status: no assertion criteria provided. Collection method: clinical testing. Allele origin: germline. Not counted in ClinVar's aggregate classification.
Comment: This variant is classified as likely benign based on ACMG/AMP sequence variant interpretation guidelines (Richards et al. 2015 PMID: 25741868, with internal and published modifications).

Center of Medical Genetics and Primary Health Care
Classification: Benign for Breast Cancer. Review status: no assertion criteria provided. Collection method: clinical testing. Allele origin: germline. Affected: yes. Not counted in ClinVar's aggregate classification.